The following is an entry in ClinVar:

ClinVar aggregate classification (germline): Uncertain significance. Review status: criteria provided, single submitter (1 of 4 stars). 2 submissions from 2 submitters: Uncertain significance (1). 1 of the submissions does not count toward it. Last evaluated 2023-10-17.

Conditions:
T-B+ severe combined immunodeficiency due to JAK3 deficiency. Also called: SCID, autosomal recessive, T-negative/B-positive type; SCID, T CELL-NEGATIVE, B CELL-POSITIVE, NK CELL-NEGATIVE. Identifiers: Orphanet 35078, MedGen C1833275, MONDO:0010938, OMIM 600802.

Allele frequency attached by ClinVar (database versions not stated): gnomAD exomes below 0.00001; ESP Exome Variant Server 0.00008.

Submissions (2):

Labcorp Genetics (formerly Invitae), Labcorp
Classification: Uncertain significance for T-B+ severe combined immunodeficiency due to JAK3 deficiency. Last evaluated: 2023-10-17. Review status: criteria provided, single submitter. Criteria: Invitae Variant Classification Sherloc (09022015). Collection method: clinical testing. Allele origin: germline.
Comment: This sequence change replaces aspartic acid, which is acidic and polar, with glutamic acid, which is acidic and polar, at codon 169 of the JAK3 protein (p.Asp169Glu). This variant is present in population databases (rs147181709, gnomAD 0.002%). This missense change has been observed in individual(s) with JAK3-related conditions (PMID: 14615376). ClinVar contains an entry for this variant (Variation ID: 9365). An algorithm developed to predict the effect of missense changes on protein structure and function (PolyPhen-2) suggests that this variant is likely to be disruptive. Experimental studies have shown that this missense change affects JAK3 function (PMID: 14615376). In summary, the available evidence is currently insufficient to determine the role of this variant in disease. Therefore, it has been classified as a Variant of Uncertain Significance.

OMIM
Classification: Pathogenic for SEVERE COMBINED IMMUNODEFICIENCY, AUTOSOMAL RECESSIVE, T CELL-NEGATIVE, B CELL-POSITIVE, NK CELL-NEGATIVE. Last evaluated: 2001-11-01. Review status: no assertion criteria provided. Collection method: literature only. Allele origin: germline. Not counted in ClinVar's aggregate classification.

Literature cited by the submitters: PubMed 14615376 (cited by Labcorp Genetics (formerly Invitae), Labcorp); PubMed 11741532 (cited by OMIM).

NM_000215.4(JAK3):c.507C>A (p.Asp169Glu)

Gene: JAK3 (Janus kinase 3; minus strand). Cytogenetic location: 19p13.11.
Variant type: single nucleotide variant.
Coding change: c.507C>A on transcript NM_000215.4 (MANE Select); coding-DNA position 507, C replaced by A.
Protein change: p.Asp169Glu; replaces aspartic acid 169 with glutamic acid.
Molecular consequence: missense variant.
Genome position (GRCh38, 1-based): chr19:17,843,086, G>T on the plus strand (C>A on the coding strand, the complement: JAK3 is on the minus strand). VCF-style: chr19-17843086-G-T. GRCh37 (hg19) VCF-style: chr19-17953895-G-T.
Other names: short protein forms D169E.
Identifiers: ClinVar variation 9365 (VCV000009365.4), dbSNP rs147181709, ClinGen allele CA306140942.